The following is an entry in ClinVar:

ClinVar aggregate classification (germline): Uncertain significance (1 of 4 stars; one submission).

Submission:

Labcorp Genetics (formerly Invitae), Labcorp
Classification: Uncertain significance. Last evaluated: 2024-01-06. Review status: criteria provided, single submitter. Criteria: Invitae Variant Classification Sherloc (09022015). Collection method: clinical testing. Allele origin: germline.
Comment: This sequence change replaces threonine, which is neutral and polar, with alanine, which is neutral and non-polar, at codon 382 of the KIF2A protein (p.Thr382Ala). This variant is not present in population databases (gnomAD no frequency). This variant has not been reported in the literature in individuals affected with KIF2A-related conditions. ClinVar contains an entry for this variant (Variation ID: 1472874). An algorithm developed to predict the effect of missense changes on protein structure and function (PolyPhen-2) suggests that this variant is likely to be tolerated. In summary, the available evidence is currently insufficient to determine the role of this variant in disease. Therefore, it has been classified as a Variant of Uncertain Significance.

NM_001098511.3(KIF2A):c.1144A>G (p.Thr382Ala)

Gene: KIF2A (kinesin family member 2A; plus strand). Cytogenetic location: 5q12.1.
Variant type: single nucleotide variant.
Coding change: c.1144A>G on transcript NM_001098511.3 (MANE Select); coding-DNA position 1144, A replaced by G.
Protein change: p.Thr382Ala; replaces threonine 382 with alanine.
Molecular consequence: missense variant.
Genome position (GRCh38, 1-based): chr5:62,363,202, A>G. VCF-style: chr5-62363202-A-G. GRCh37 (hg19) VCF-style: chr5-61659029-A-G.
Other names: c.1063A>G, p.Thr355Ala (NM_001243952.2); c.1087A>G, p.Thr363Ala (NM_001243953.2); c.1144A>G, p.Thr382Ala (NM_004520.5); short protein forms T355A, T382A, T363A.
Identifiers: ClinVar variation 1472874 (VCV001472874.8), dbSNP rs2111959293, ClinGen allele CA359950916.